The following is an entry in ClinVar:

NM_001134363.3(RBM20):c.2303C>A (p.Ser768Ter)

Gene: RBM20 (RNA binding motif protein 20; plus strand). Cytogenetic location: 10q25.2.
Variant type: single nucleotide variant.
Coding change: c.2303C>A on transcript NM_001134363.3 (MANE Select); coding-DNA position 2303, C replaced by A.
Protein change: p.Ser768Ter; replaces serine 768 with a stop codon.
Molecular consequence: nonsense.
Genome position (GRCh38, 1-based): chr10:110,812,700, C>A. VCF-style: chr10-110812700-C-A. GRCh37 (hg19) VCF-style: chr10-112572458-G-A.
Other names: short protein forms S768*.
Identifiers: ClinVar variation 1518167 (VCV001518167.6), dbSNP rs1417635, ClinGen allele CA378373263.

ClinVar aggregate classification (germline): Uncertain significance (1 of 4 stars; one submission).

Conditions:
Dilated cardiomyopathy 1DD (CMD1DD). Identifiers: Orphanet 154, MedGen C2750995, MONDO:0013168, OMIM 613172.

Submission:

Labcorp Genetics (formerly Invitae), Labcorp
Classification: Uncertain significance for Dilated cardiomyopathy 1DD. Last evaluated: 2021-12-10. Review status: criteria provided, single submitter. Criteria: Invitae Variant Classification Sherloc (09022015). Collection method: clinical testing. Allele origin: germline.
Comment: In summary, the available evidence is currently insufficient to determine the role of this variant in disease. Therefore, it has been classified as a Variant of Uncertain Significance. This variant has not been reported in the literature in individuals affected with RBM20-related conditions. This variant is not present in population databases (gnomAD no frequency). This sequence change creates a premature translational stop signal (p.Ser768*) in the RBM20 gene. It is expected to result in an absent or disrupted protein product. However, the current clinical and genetic evidence is not sufficient to establish whether loss-of-function variants in RBM20 cause disease.